The following is an entry in ClinVar:

NM_016169.4(SUFU):c.241T>G (p.Ser81Ala)

Gene: SUFU (SUFU negative regulator of hedgehog signaling; plus strand). Cytogenetic location: 10q24.32.
Variant type: single nucleotide variant.
Coding change: c.241T>G on transcript NM_016169.4 (MANE Select); coding-DNA position 241, T replaced by G.
Protein change: p.Ser81Ala; replaces serine 81 with alanine.
Molecular consequence: missense variant.
Genome position (GRCh38, 1-based): chr10:102,509,227, T>G. VCF-style: chr10-102509227-T-G. GRCh37 (hg19) VCF-style: chr10-104268984-T-G.
Other names: c.241T>G, p.Ser81Ala (NM_001178133.2); short protein forms S81A.
Identifiers: ClinVar variation 2452601 (VCV002452601.2), dbSNP rs2544845869, ClinGen allele CA377888643.

ClinVar aggregate classification (germline): Uncertain significance (1 of 4 stars; one submission).

Conditions:
Hereditary cancer-predisposing syndrome. Also called: Neoplastic Syndromes, Hereditary; Tumor predisposition; Hereditary neoplastic syndrome; Hereditary Cancer Syndrome. Identifiers: Orphanet 140162, MedGen C0027672, MeSH D009386, MONDO:0015356.

Submission:

Ambry Genetics
Classification: Uncertain significance for Hereditary cancer-predisposing syndrome. Last evaluated: 2022-11-15. Review status: criteria provided, single submitter. Criteria: Ambry Variant Classification Scheme 2023. Collection method: clinical testing. Allele origin: germline.
Comment: The p.S81A variant (also known as c.241T>G), located in coding exon 2 of the SUFU gene, results from a T to G substitution at nucleotide position 241. The serine at codon 81 is replaced by alanine, an amino acid with similar properties. This amino acid position is conserved. In addition, this alteration is predicted to be tolerated by in silico analysis. Since supporting evidence is limited at this time, the clinical significance of this alteration remains unclear.